The following is an entry in ClinVar:

NM_004329.3(BMPR1A):c.402G>A (p.Leu134=)

Gene: BMPR1A (bone morphogenetic protein receptor type 1A; plus strand). Cytogenetic location: 10q23.2.
Variant type: single nucleotide variant.
Coding change: c.402G>A on transcript NM_004329.3 (MANE Select); coding-DNA position 402, G replaced by A.
Protein change: p.Leu134=; no amino-acid change (leucine 134 retained).
Molecular consequence: synonymous variant. On other transcripts: non-coding transcript variant (3), intron variant (1).
Genome position (GRCh38, 1-based): chr10:86,899,862, G>A. VCF-style: chr10-86899862-G-A. GRCh37 (hg19) VCF-style: chr10-88659619-G-A.
Other names: c.402G>A, p.Leu134= (NM_001406559.1, NM_001406560.1, NM_001406561.1 and 22 more transcripts); c.318G>A, p.Leu106= (NM_001406584.1, NM_001406585.1, NM_001406586.1 and 2 more transcripts); c.333+7633G>A (NM_001406589.1).
Identifiers: ClinVar variation 1737185 (VCV001737185.3), dbSNP rs2133454421, ClinGen allele CA470306615.

ClinVar aggregate classification (germline): Benign/Likely benign. Review status: criteria provided, multiple submitters, no conflicts (2 of 4 stars). 2 submissions from 2 submitters: Benign (1); Likely benign (1). Last evaluated 2024-08-01.

Conditions:
Juvenile polyposis syndrome (JPS). Identifiers: Orphanet 2929, MedGen C0345893, MONDO:0017380, OMIM 174900.
Hereditary cancer-predisposing syndrome. Also called: Neoplastic Syndromes, Hereditary; Tumor predisposition; Hereditary Cancer Syndrome; Hereditary neoplastic syndrome. Identifiers: Orphanet 140162, MedGen C0027672, MeSH D009386, MONDO:0015356.

Allele frequency attached by ClinVar (database versions not stated): gnomAD exomes below 0.00001.
gnomAD v4.1: 1 of 1,614,132 alleles (0.000062%); highest among the groups gnomAD compares: South Asian, 0.0011%; no homozygotes.

Submissions (2):

Myriad Genetics, Inc.
Classification: Benign for Juvenile polyposis syndrome. Last evaluated: 2024-08-01. Review status: criteria provided, single submitter. Criteria: Myriad Autosomal Dominant, Autosomal Recessive and X-Linked Classification Criteria (2023). Collection method: clinical testing. Allele origin: unknown.
Comment: This variant is considered benign. This variant is a silent/synonymous amino acid change and it is not expected to impact splicing.

Ambry Genetics
Classification: Likely benign for Hereditary cancer-predisposing syndrome. Last evaluated: 2019-12-23. Review status: criteria provided, single submitter. Criteria: Ambry Variant Classification Scheme 2023. Collection method: clinical testing. Allele origin: germline.